The following is an entry in ClinVar:

ClinVar aggregate classification (germline): Pathogenic. Review status: criteria provided, multiple submitters, no conflicts (2 of 4 stars). 4 submissions from 4 submitters: Pathogenic (2). 2 of the submissions do not count toward it. Last evaluated 2023-04-26.

Conditions:
Hereditary cancer-predisposing syndrome. Also called: Hereditary Cancer Syndrome; Neoplastic Syndromes, Hereditary; Tumor predisposition; Hereditary neoplastic syndrome. Identifiers: Orphanet 140162, MedGen C0027672, MeSH D009386, MONDO:0015356.
Ataxia-telangiectasia syndrome (AT). Also called: Cerebello-oculocutaneous telangiectasia; Immunodeficiency with ataxia telangiectasia; Ataxia-telangiectasia, complementation group E; Ataxia-telangiectasia, complementation group D; AT, COMPLEMENTATION GROUP C; ATAXIA-TELANGIECTASIA, COMPLEMENTATION GROUP A. Identifiers: Orphanet 100, MedGen C0004135, MONDO:0008840, OMIM 208900.
Familial cancer of breast. Also called: BREAST CANCER, FAMILIAL; Hereditary breast cancer; hereditary breast carcinoma. Identifiers: Orphanet 227535, MedGen C0346153, MONDO:0016419, OMIM 114480. Disease mechanism: loss of function.

Submissions (4):

Labcorp Genetics (formerly Invitae), Labcorp
Classification: Pathogenic for Ataxia-telangiectasia syndrome. Last evaluated: 2023-04-26. Review status: criteria provided, single submitter. Criteria: Invitae Variant Classification Sherloc (09022015). Collection method: clinical testing. Allele origin: germline.
Comment: This sequence change creates a premature translational stop signal (p.Leu2557Valfs*13) in the ATM gene. It is expected to result in an absent or disrupted protein product. Loss-of-function variants in ATM are known to be pathogenic (PMID: 23807571, 25614872). This variant is not present in population databases (gnomAD no frequency). This variant has not been reported in the literature in individuals affected with ATM-related conditions. ClinVar contains an entry for this variant (Variation ID: 565318). For these reasons, this variant has been classified as Pathogenic.

Ambry Genetics
Classification: Pathogenic for Hereditary cancer-predisposing syndrome. Last evaluated: 2020-12-14. Review status: criteria provided, single submitter. Criteria: Ambry Variant Classification Scheme 2023. Collection method: clinical testing. Allele origin: germline.
Comment: The c.7669_7670delTT pathogenic mutation, located in coding exon 51 of the ATM gene, results from a deletion of two nucleotides at nucleotide positions 7669 to 7670, causing a translational frameshift with a predicted alternate stop codon (p.L2557Vfs*13). This alteration is expected to result in loss of function by premature protein truncation or nonsense-mediated mRNA decay. As such, this alteration is interpreted as a disease-causing mutation.

Clinical Genetics Laboratory, Skane University Hospital Lund
Classification: Pathogenic for Hereditary cancer-predisposing syndrome. Last evaluated: 2025-06-19. Review status: no assertion criteria provided. Collection method: clinical testing. Allele origin: germline. Affected: yes. Not counted in ClinVar's aggregate classification.
Comment: PVS1, PM2_supporting, PM5

BRCAlab, Lund University
Classification: Pathogenic for Familial cancer of breast. Last evaluated: 2022-08-26. Review status: no assertion criteria provided. Collection method: clinical testing. Allele origin: germline. Affected: yes. Not counted in ClinVar's aggregate classification.

Literature cited by the submitters: PubMed 23807571 (cited by Labcorp Genetics (formerly Invitae), Labcorp); PubMed 25614872 (cited by Labcorp Genetics (formerly Invitae), Labcorp).

NM_000051.4(ATM):c.7669_7670del (p.Leu2557fs)

Genes: ATM (ATM serine/threonine kinase; plus strand), C11orf65 (chromosome 11 open reading frame 65; minus strand). Cytogenetic location: 11q22.3.
Variant type: Deletion.
Coding change: c.7669_7670del on transcript NM_000051.4 (MANE Select); coding-DNA positions 7669 to 7670, 2 bases deleted (TT; older notation c.7669_7670delTT).
Protein change: p.Leu2557fs; shifts the reading frame from leucine 2557.
Molecular consequence: frameshift variant. On other transcripts: intron variant (2).
Genome position (GRCh38, 1-based): chr11:108,331,918-108,331,919, TT deleted; deleting any 2 consecutive bases within chr11:108,331,917-108,331,919 gives the same sequence; the c. name uses the placement nearest the transcript's 3' end. VCF-style (leftmost placement, unchanged base first): chr11-108331916-CTT-C. GRCh37 (hg19) VCF-style: chr11-108202643-CTT-C.
Other names: c.7669_7670del, p.Leu2557fs (NM_001351834.2); c.641-22847_641-22846del (NM_001330368.2); c.*38+3302_*38+3303del (NM_001351110.2); short protein forms L2557fs.
Identifiers: ClinVar variation 565318 (VCV000565318.30), dbSNP rs1565533778, ClinGen allele CA891842777.